The following is an entry in ClinVar:

ClinVar aggregate classification (germline): Uncertain significance. Review status: criteria provided, multiple submitters, no conflicts (2 of 4 stars). 4 submissions from 4 submitters: Uncertain significance (4). Last evaluated 2026-01-01.

Conditions:
Hereditary spherocytosis type 1. Also called: Spherocytosis type 1; ANK1-Related Spherocytosis. Identifiers: Orphanet 822, MedGen C2674218, MONDO:0008447, OMIM 182900.

Allele frequency attached by ClinVar (database versions not stated): ExAC 0.00007; gnomAD 0.00020; TOPMed 0.00025; ESP Exome Variant Server 0.00031.
gnomAD v4.1: 86 of 1,613,918 alleles (0.0053%); highest among the groups gnomAD compares: African/African-American, 0.069%; no homozygotes.

Submissions (4):

CeGaT Center for Human Genetics Tuebingen
Classification: Uncertain significance. Last evaluated: 2026-01-01. Review status: criteria provided, single submitter. Criteria: CeGaT Center For Human Genetics Tuebingen Variant Classification Criteria Version 2. Collection method: clinical testing. Allele origin: germline. Affected: yes. Observed: 1 variant allele.

Labcorp Genetics (formerly Invitae), Labcorp
Classification: Uncertain significance. Last evaluated: 2025-10-24. Review status: criteria provided, single submitter. Criteria: Invitae Variant Classification Sherloc (09022015). Collection method: clinical testing. Allele origin: germline.
Comment: This sequence change replaces valine, which is neutral and non-polar, with isoleucine, which is neutral and non-polar, at codon 1243 of the ANK1 protein (p.Val1243Ile). This variant is present in population databases (rs201129527, gnomAD 0.05%). This variant has not been reported in the literature in individuals affected with ANK1-related conditions. ClinVar contains an entry for this variant (Variation ID: 2439042). Invitae Evidence Modeling of protein sequence and biophysical properties (such as structural, functional, and spatial information, amino acid conservation, physicochemical variation, residue mobility, and thermodynamic stability) indicates that this missense variant is not expected to disrupt ANK1 protein function with a negative predictive value of 80%. In summary, the available evidence is currently insufficient to determine the role of this variant in disease. Therefore, it has been classified as a Variant of Uncertain Significance.

Mayo Clinic Laboratories, Mayo Clinic
Classification: Uncertain significance. Last evaluated: 2023-09-20. Review status: criteria provided, single submitter. Criteria: ACMG Guidelines, 2015. Collection method: clinical testing. Allele origin: germline. Observed: 1 variant allele.
Comment: BP4

Revvity Omics, Revvity
Classification: Uncertain significance for Hereditary spherocytosis type 1. Last evaluated: 2021-11-24. Review status: criteria provided, single submitter. Criteria: ACMG Guidelines, 2015. Collection method: clinical testing. Allele origin: germline.

NM_000037.4(ANK1):c.3727G>A (p.Val1243Ile)

Gene: ANK1 (ankyrin 1; minus strand). Cytogenetic location: 8p11.21.
Variant type: single nucleotide variant.
Coding change: c.3727G>A on transcript NM_000037.4 (MANE Select); coding-DNA position 3727, G replaced by A.
Protein change: p.Val1243Ile; replaces valine 1243 with isoleucine.
Molecular consequence: missense variant.
Genome position (GRCh38, 1-based): chr8:41,692,779, C>T on the plus strand (G>A on the coding strand, the complement: ANK1 is on the minus strand). VCF-style: chr8-41692779-C-T. GRCh37 (hg19) VCF-style: chr8-41550297-C-T.
Other names: p.Val1243Ile; c.3850G>A, p.Val1284Ile (NM_001142446.2); c.3727G>A, p.Val1243Ile (NM_020475.3, NM_020476.3, NM_020477.3); short protein forms V1243I, V1284I.
Identifiers: ClinVar variation 2439042 (VCV002439042.9), dbSNP rs201129527, ClinGen allele CA4727790.
Genomic context (GRCh38, chr8:41,692,779, plus strand): 5'-CTGTCATGCAGTAGCAGCGCAGGCGCCCCTCTCGGGGGTCATTCATCTTGGCAAAGATGA[C>T]GAATTTGGCCATGTAGGGCACTGCAGTGAGCTCTTTGTACAGCAGGGTGGCAAAGTTCAC-3'
Protein context (NP_000028.3, residues 1233-1253): LTAVPYMAKF[Val1243Ile]IFAKMNDPRE